The following is an entry in ClinVar:

ClinVar aggregate classification (germline): Benign/Likely benign. Review status: criteria provided, multiple submitters, no conflicts (2 of 4 stars). 3 submissions from 3 submitters: Benign (1); Likely benign (2). Last evaluated 2026-01-26.

Conditions:
SPECC1L-related disorder. Also called: SPECC1L-related condition.

Allele frequency attached by ClinVar (database versions not stated): TOPMed 0.00043; gnomAD exomes 0.00055; ExAC 0.00056; gnomAD 0.00061; ESP Exome Variant Server 0.00092; 1000 Genomes Project 0.00120; 1000 Genomes Project 30x 0.00125.
gnomAD v4.1: 879 of 1,614,166 alleles (0.054%); highest among the groups gnomAD compares: East Asian, 0.071%; 2 homozygotes.

Submissions (3):

Labcorp Genetics (formerly Invitae), Labcorp
Classification: Likely benign. Last evaluated: 2026-01-26. Review status: criteria provided, single submitter. Criteria: Invitae Variant Classification Sherloc (09022015). Collection method: clinical testing. Allele origin: germline.

PreventionGenetics, part of Exact Sciences
Classification: Likely benign for SPECC1L-related condition. Last evaluated: 2025-06-23. Review status: criteria provided, single submitter. Criteria: ACMG Guidelines, 2015. Collection method: clinical testing. Allele origin: germline.
Comment: This variant is classified as likely benign based on ACMG/AMP sequence variant interpretation guidelines (Richards et al. 2015 PMID: 25741868, with internal and published modifications).

CeGaT Center for Human Genetics Tuebingen
Classification: Benign. Last evaluated: 2023-05-01. Review status: criteria provided, single submitter. Criteria: CeGaT Center For Human Genetics Tuebingen Variant Classification Criteria Version 2. Collection method: clinical testing. Allele origin: germline. Affected: yes. Observed: 2 variant alleles.
Comment: SPECC1L: BP4, BS1, BS2

NM_015330.6(SPECC1L):c.569C>T (p.Thr190Met)

Genes: SPECC1L (sperm antigen with calponin homology and coiled-coil domains 1 like; plus strand), SPECC1L-ADORA2A (SPECC1L-ADORA2A readthrough (NMD candidate); plus strand). Cytogenetic location: 22q11.23.
Variant type: single nucleotide variant.
Coding change: c.569C>T on transcript NM_015330.6 (MANE Select); coding-DNA position 569, C replaced by T.
Protein change: p.Thr190Met; replaces threonine 190 with methionine.
Molecular consequence: missense variant. On other transcripts: non-coding transcript variant (1).
Genome position (GRCh38, 1-based): chr22:24,321,549, C>T. VCF-style: chr22-24321549-C-T. GRCh37 (hg19) VCF-style: chr22-24717517-C-T.
Other names: c.569C>T, p.Thr190Met (NM_001145468.4, NM_001254732.3); c.569C>T (NM_015330.4); short protein forms T190M.
Identifiers: ClinVar variation 2052725 (VCV002052725.29), dbSNP rs142144652, ClinGen allele CA10151981.